The following is an entry in ClinVar:

NM_005334.3(HCFC1):c.4576G>A (p.Ala1526Thr)

Gene: HCFC1 (host cell factor C1; minus strand). Cytogenetic location: Xq28.
Variant type: single nucleotide variant.
Coding change: c.4576G>A on transcript NM_005334.3 (MANE Select); coding-DNA position 4576, G replaced by A.
Protein change: p.Ala1526Thr; replaces alanine 1526 with threonine.
Molecular consequence: missense variant.
Genome position (GRCh38, 1-based): chrX:153,952,880, C>T on the plus strand (G>A on the coding strand, the complement: HCFC1 is on the minus strand). VCF-style: chrX-153952880-C-T. GRCh37 (hg19) VCF-style: chrX-153218331-C-T.
Other names: short protein forms A1526T.
Identifiers: ClinVar variation 439784 (VCV000439784.11), dbSNP rs782652831, ClinGen allele CA10556942.

ClinVar aggregate classification (germline): Uncertain significance. Review status: criteria provided, multiple submitters, no conflicts (2 of 4 stars). 3 submissions from 3 submitters: Uncertain significance (3). Last evaluated 2025-11-25.

Conditions:
Methylmalonic acidemia with homocystinuria, type cblX (MAHCX). Also called: INTELLECTUAL DEVELOPMENTAL DISORDER, X-LINKED 3. Identifiers: Orphanet 369962, MedGen C0796208, MONDO:0010657, OMIM 309541.

Allele frequency attached by ClinVar (database versions not stated): gnomAD exomes 0.00001; TOPMed 0.00001; ExAC 0.00009.
gnomAD v4.1: 6 of 1,182,611 alleles (0.00051%); highest among the groups gnomAD compares: Admixed American, 0.014%; no homozygotes.

Submissions (3):

Women's Health and Genetics/Laboratory Corporation of America, LabCorp
Classification: Uncertain significance. Last evaluated: 2025-11-25. Review status: criteria provided, single submitter. Criteria: LabCorp Variant Classification Summary - May 2015. Collection method: clinical testing. Allele origin: germline.
Comment: Variant summary: HCFC1 c.4576G>A (p.Ala1526Thr) results in a non-conservative amino acid change in the encoded protein sequence. Algorithms developed to predict the effect of missense changes on protein structure and function are either unavailable or do not agree on the potential impact of this missense change. The frequency data for this variant in gnomAD is considered unreliable, as metrics indicate poor data quality at this position. To our knowledge, no occurrence of c.4576G>A in individuals affected with HCFC1-related conditions and no experimental evidence demonstrating its impact on protein function have been reported. ClinVar contains an entry for this variant (Variation ID: 439784). Based on the evidence outlined above, the variant was classified as uncertain significance.

Fulgent Genetics
Classification: Uncertain significance for Methylmalonic acidemia with homocystinuria, type cblX. Last evaluated: 2018-10-31. Review status: criteria provided, single submitter. Criteria: ACMG Guidelines, 2015. Collection method: clinical testing. Allele origin: unknown.

ARUP Laboratories, Molecular Genetics and Genomics, ARUP Laboratories
Classification: Uncertain significance. Last evaluated: 2016-12-23. Review status: criteria provided, single submitter. Criteria: ARUP Molecular Germline Variant Investigation Process. Collection method: clinical testing. Allele origin: germline.